The following is an entry in ClinVar:

ClinVar aggregate classification (germline): Uncertain significance (1 of 4 stars; one submission).

Conditions:
Catecholaminergic polymorphic ventricular tachycardia 1. Also called: RYR2-Related Catecholaminergic Polymorphic Ventricular Tachycardia; VENTRICULAR TACHYCARDIA, CATECHOLAMINERGIC POLYMORPHIC, 1, WITH OR WITHOUT ATRIAL DYSFUNCTION AND/OR DILATED CARDIOMYOPATHY; VENTRICULAR TACHYCARDIA, STRESS-INDUCED POLYMORPHIC 1. Identifiers: Orphanet 3286, MedGen C1631597, MONDO:0011484, OMIM 604772.

Allele frequency attached by ClinVar (database versions not stated): gnomAD exomes below 0.00001.
gnomAD v4.1: 1 of 1,613,036 alleles (0.000062%); highest among the groups gnomAD compares: Non-Finnish European, 0.000085%; no homozygotes.

Submission:

Labcorp Genetics (formerly Invitae), Labcorp
Classification: Uncertain significance for Catecholaminergic polymorphic ventricular tachycardia 1. Last evaluated: 2022-10-01. Review status: criteria provided, single submitter. Criteria: Invitae Variant Classification Sherloc (09022015). Collection method: clinical testing. Allele origin: germline.
Comment: In summary, the available evidence is currently insufficient to determine the role of this variant in disease. Therefore, it has been classified as a Variant of Uncertain Significance. Advanced modeling of protein sequence and biophysical properties (such as structural, functional, and spatial information, amino acid conservation, physicochemical variation, residue mobility, and thermodynamic stability) performed at Invitae indicates that this missense variant is not expected to disrupt RYR2 protein function. This variant has not been reported in the literature in individuals affected with RYR2-related conditions. This variant is not present in population databases (gnomAD no frequency). This sequence change replaces valine, which is neutral and non-polar, with alanine, which is neutral and non-polar, at codon 445 of the RYR2 protein (p.Val445Ala).

NM_001035.3(RYR2):c.1334T>C (p.Val445Ala)

Gene: RYR2 (ryanodine receptor 2; plus strand). Cytogenetic location: 1q43.
Variant type: single nucleotide variant.
Coding change: c.1334T>C on transcript NM_001035.3 (MANE Select); coding-DNA position 1334, T replaced by C.
Protein change: p.Val445Ala; replaces valine 445 with alanine.
Molecular consequence: missense variant.
Genome position (GRCh38, 1-based): chr1:237,454,432, T>C. VCF-style: chr1-237454432-T-C. GRCh37 (hg19) VCF-style: chr1-237617732-T-C.
Other names: short protein forms V445A.
Identifiers: ClinVar variation 2002137 (VCV002002137.4), dbSNP rs2528522658, ClinGen allele CA345380055.
Genomic context (GRCh38, chr1:237,454,432, plus strand): 5'-TGTTTATGGTTTATTTTAGGGGCCTTGATGCTCTCAGCAAGAAAGCGAAGGCTTCCACAG[T>C]CGATTTGCCTATAGAGTCCGTAAGCCTAAGTCTGCAGGATCTCATTGGCTACTTCCACCC-3'
Protein context (NP_001026.2, residues 435-455): ALSKKAKAST[Val445Ala]DLPIESVSLS